The following is an entry in ClinVar:

ClinVar aggregate classification (germline): Uncertain significance (1 of 4 stars; one submission).

Conditions:
Hereditary cancer-predisposing syndrome. Also called: Hereditary Cancer Syndrome; Hereditary neoplastic syndrome; Tumor predisposition; Neoplastic Syndromes, Hereditary. Identifiers: Orphanet 140162, MedGen C0027672, MeSH D009386, MONDO:0015356.

Submission:

Ambry Genetics
Classification: Uncertain significance for Hereditary cancer-predisposing syndrome. Last evaluated: 2024-10-18. Review status: criteria provided, single submitter. Criteria: Ambry Variant Classification Scheme 2023. Collection method: clinical testing. Allele origin: germline.
Comment: The p.A636V variant (also known as c.1907C>T), located in coding exon 13 of the KIT gene, results from a C to T substitution at nucleotide position 1907. The alanine at codon 636 is replaced by valine, an amino acid with similar properties. This amino acid position is highly conserved in available vertebrate species. In addition, this alteration is predicted to be deleterious by in silico analysis. Based on the available evidence, the clinical significance of this variant remains unclear.

NM_000222.3(KIT):c.1907C>T (p.Ala636Val)

Gene: KIT (KIT proto-oncogene, receptor tyrosine kinase; plus strand). Cytogenetic location: 4q12.
Variant type: single nucleotide variant.
Coding change: c.1907C>T on transcript NM_000222.3 (MANE Select); coding-DNA position 1907, C replaced by T.
Protein change: p.Ala636Val; replaces alanine 636 with valine.
Molecular consequence: missense variant.
Genome position (GRCh38, 1-based): chr4:54,728,038, C>T. VCF-style: chr4-54728038-C-T. GRCh37 (hg19) VCF-style: chr4-55594204-C-T.
Other names: c.1895C>T, p.Ala632Val (NM_001093772.2, NM_001385286.1); c.1910C>T, p.Ala637Val (NM_001385284.1, NM_001385290.1); c.1907C>T, p.Ala636Val (NM_001385285.1); c.1898C>T, p.Ala633Val (NM_001385288.1, NM_001385292.1); short protein forms A633V, A632V, A636V, A637V.
Identifiers: ClinVar variation 3534718 (VCV003534718.1).